The following is an entry in ClinVar:

ClinVar aggregate classification (germline): Uncertain significance. Review status: criteria provided, multiple submitters, no conflicts (2 of 4 stars). 7 submissions from 7 submitters: Uncertain significance (7). Last evaluated 2025-04-22.

Conditions:
MFN2-related disorder. Also called: MFN2-related disorders; MFN2-related condition.
Charcot-Marie-Tooth disease. Also called: Charcot-Marie-Tooth Hereditary Neuropathy; Charcot-Marie-Tooth Neuropathy. Identifiers: Orphanet 166, MedGen C0007959, MONDO:0015626.
Charcot-Marie-Tooth disease type 2. Also called: Charcot-Marie-Tooth type 2. Identifiers: Orphanet 64746, MedGen C0270914, MONDO:0018993.
Neuropathy, hereditary motor and sensory, type 6A (HMSN6A). Also called: NEUROPATHY, HEREDITARY MOTOR AND SENSORY, TYPE VIA; NEUROPATHY, HEREDITARY MOTOR AND SENSORY, TYPE VIA, WITH OPTIC ATROPHY; HMSN VIA; CHARCOT-MARIE-TOOTH DISEASE, TYPE 6A. Identifiers: MedGen CN305336, MONDO:0011002, OMIM 601152.

Allele frequency attached by ClinVar (database versions not stated): gnomAD 0.00003; TOPMed 0.00003; gnomAD exomes 0.00005 and 0.00007; ExAC 0.00007.

Submissions (7):

PreventionGenetics, part of Exact Sciences
Classification: Uncertain significance for MFN2-related condition. Last evaluated: 2025-04-22. Review status: criteria provided, single submitter. Criteria: ACMG Guidelines, 2015. Collection method: clinical testing. Allele origin: germline.
Comment: The MFN2 c.1181G>A variant is predicted to result in the amino acid substitution p.Arg394His. This variant was observed in one individual in a Charcot-Marie-Tooth cohort study and was interpreted as a variant of uncertain significance (Supplementary Table 2, Volodarsky et al. 2021. PubMed ID: 32376792). This variant is reported in 0.029% of alleles in individuals of South Asian descent in gnomAD. At this time, the clinical significance of this variant is uncertain due to the absence of conclusive functional and genetic evidence.

Labcorp Genetics (formerly Invitae), Labcorp
Classification: Uncertain significance for Charcot-Marie-Tooth disease type 2. Last evaluated: 2025-04-03. Review status: criteria provided, single submitter. Criteria: Invitae Variant Classification Sherloc (09022015). Collection method: clinical testing. Allele origin: germline.
Comment: This sequence change replaces arginine, which is basic and polar, with histidine, which is basic and polar, at codon 394 of the MFN2 protein (p.Arg394His). This variant is present in population databases (rs538243357, gnomAD 0.03%). This missense change has been observed in individual(s) with Charcot-Marie-Tooth disease (PMID: 32376792). ClinVar contains an entry for this variant (Variation ID: 568120). Invitae Evidence Modeling of protein sequence and biophysical properties (such as structural, functional, and spatial information, amino acid conservation, physicochemical variation, residue mobility, and thermodynamic stability) has been performed for this missense variant. However, the output from this modeling did not meet the statistical confidence thresholds required to predict the impact of this variant on MFN2 protein function. In summary, the available evidence is currently insufficient to determine the role of this variant in disease. Therefore, it has been classified as a Variant of Uncertain Significance.

ARUP Laboratories, Molecular Genetics and Genomics, ARUP Laboratories
Classification: Uncertain significance. Last evaluated: 2024-03-01. Review status: criteria provided, single submitter. Criteria: ARUP Molecular Germline Variant Investigation Process 2024. Collection method: clinical testing. Allele origin: germline.
Comment: The MFN2 c.1181G>A; p.Arg394His variant (rs538243357; ClinVar Variation ID: 568120) is reported in the literature in a single individual affected with Charcot-Marie-Tooth disease (Volodarsky 2021). This variant is found in the general population with an overall allele frequency of 0.007% (17/251,486 alleles) in the Genome Aggregation Database (v2.1.1). Computational analyses are uncertain whether this variant is neutral or deleterious (REVEL: 0.520). Due to limited information, the clinical significance of this variant is uncertain at this time. References: Volodarsky M et al. Comprehensive genetic sequence and copy number analysis for Charcot-Marie-Tooth disease in a Canadian cohort of 2517 patients. J Med Genet. 2021 Apr;58(4):284-288. PMID: 32376792.

Neuberg Centre For Genomic Medicine, NCGM
Classification: Uncertain significance for Neuropathy, hereditary motor and sensory, type 6A. Last evaluated: 2023-05-20. Review status: criteria provided, single submitter. Criteria: ACMG Guidelines, 2015. Collection method: clinical testing. Allele origin: germline. Inheritance: Autosomal dominant inheritance. Affected: yes.
Comment: The missense c.1181G>A (p.Arg394His) variant in the MFN2 gene has been observed in individual(s) with Charcot-Marie-Tooth disease (Volodarsky, Michael et al.,2021). This variant is reported with the allele frequency (0.006%) in the gnomAD Exomes. It is submitted to ClinVar as Uncertain Significance. The amino acid Arginine at position 394 is changed to a Histidine changing protein sequence and it might alter its composition and physico-chemical properties. Computational evidence (Polyphen - Damaging enign, SIFT - Damaging and MutationTaster - Disease causing/ Polymorphism) predicts conflicting evidence on protein structure and function for this variant. The amino acid change p.Arg394His in MFN2 is predicted as conserved by GERP++ and PhyloP across 100 vertebrates. For these reasons, this variant has been classified as Uncertain Significance.

Blueprint Genetics
Classification: Uncertain significance. Last evaluated: 2021-01-29. Review status: criteria provided, single submitter. Criteria: ACMG Guidelines, 2015. Collection method: clinical testing. Allele origin: germline.

Mayo Clinic Laboratories, Mayo Clinic
Classification: Uncertain significance. Last evaluated: 2019-09-08. Review status: criteria provided, single submitter. Criteria: ACMG Guidelines, 2015. Collection method: clinical testing. Allele origin: germline. Observed: 1 variant allele.

Molecular Genetics Laboratory, London Health Sciences Centre
Classification: Uncertain significance for Charcot-Marie-Tooth disease. Review status: criteria provided, single submitter. Criteria: ACMG Guidelines, 2015. Collection method: clinical testing. Allele origin: germline. Affected: yes.

Literature cited by the submitters: PubMed 32376792 (cited by Labcorp Genetics (formerly Invitae), Labcorp).

NM_014874.4(MFN2):c.1181G>A (p.Arg394His)

Gene: MFN2 (mitofusin 2; plus strand). Cytogenetic location: 1p36.22.
Variant type: single nucleotide variant.
Coding change: c.1181G>A on transcript NM_014874.4 (MANE Select); coding-DNA position 1181, G replaced by A.
Protein change: p.Arg394His; replaces arginine 394 with histidine.
Molecular consequence: missense variant.
Genome position (GRCh38, 1-based): chr1:12,004,012, G>A. VCF-style: chr1-12004012-G-A. GRCh37 (hg19) VCF-style: chr1-12064069-G-A.
Other names: c.1181G>A, p.Arg394His (NM_001127660.2); short protein forms R394H.
Identifiers: ClinVar variation 568120 (VCV000568120.16), dbSNP rs538243357, ClinGen allele CA599044.